The following is an entry in ClinVar:

NM_001289808.2(CRYAB):c.373C>T (p.Pro125Ser)

Gene: CRYAB (crystallin alpha B; minus strand). Cytogenetic location: 11q23.1.
Variant type: single nucleotide variant.
Coding change: c.373C>T on transcript NM_001289808.2 (MANE Select); coding-DNA position 373, C replaced by T.
Protein change: p.Pro125Ser; replaces proline 125 with serine.
Molecular consequence: missense variant.
Genome position (GRCh38, 1-based): chr11:111,908,919, G>A on the plus strand (C>T on the coding strand, the complement: CRYAB is on the minus strand). VCF-style: chr11-111908919-G-A. GRCh37 (hg19) VCF-style: chr11-111779643-G-A.
Other names: c.373C>T, p.Pro125Ser (NM_001289807.1, NM_001368245.1, NM_001885.3); c.172C>T, p.Pro58Ser (NM_001330379.1, NM_001368246.1); short protein forms P125S, P58S.
Identifiers: ClinVar variation 945917 (VCV000945917.13), dbSNP rs374661019, ClinGen allele CA6275468.

ClinVar aggregate classification (germline): Uncertain significance. Review status: criteria provided, multiple submitters, no conflicts (2 of 4 stars). 2 submissions from 2 submitters: Uncertain significance (2). Last evaluated 2025-02-01.

Conditions:
Cardiovascular phenotype. Identifiers: MedGen CN230736.
Dilated cardiomyopathy 1II (CMD1II). Identifiers: Orphanet 154, MedGen C3554649, MONDO:0014073, OMIM 615184.

Allele frequency attached by ClinVar (database versions not stated): gnomAD exomes below 0.00001 and 0.00001; ExAC 0.00002; gnomAD 0.00002; TOPMed 0.00002; ESP Exome Variant Server 0.00008; 1000 Genomes Project 30x 0.00016; 1000 Genomes Project 0.00020.
gnomAD v4.1: 4 of 1,614,054 alleles (0.00025%); highest among the groups gnomAD compares: African/African-American, 0.004%; no homozygotes.

Submissions (2):

Ambry Genetics
Classification: Uncertain significance for Cardiovascular phenotype. Last evaluated: 2025-02-01. Review status: criteria provided, single submitter. Criteria: Ambry Variant Classification Scheme 2023. Collection method: clinical testing. Allele origin: germline.
Comment: The p.P125S variant (also known as c.373C>T), located in coding exon 3 of the CRYAB gene, results from a C to T substitution at nucleotide position 373. The proline at codon 125 is replaced by serine, an amino acid with similar properties. This amino acid position is conserved. In addition, this alteration is predicted to be deleterious by in silico analysis. Since supporting evidence is limited at this time, the clinical significance of this alteration remains unclear.

Labcorp Genetics (formerly Invitae), Labcorp
Classification: Uncertain significance for Dilated cardiomyopathy 1II. Last evaluated: 2024-06-28. Review status: criteria provided, single submitter. Criteria: Invitae Variant Classification Sherloc (09022015). Collection method: clinical testing. Allele origin: germline.
Comment: This sequence change replaces proline, which is neutral and non-polar, with serine, which is neutral and polar, at codon 125 of the CRYAB protein (p.Pro125Ser). This variant is present in population databases (rs374661019, gnomAD 0.007%). This variant has not been reported in the literature in individuals affected with CRYAB-related conditions. ClinVar contains an entry for this variant (Variation ID: 945917). An algorithm developed to predict the effect of missense changes on protein structure and function (PolyPhen-2) suggests that this variant is likely to be disruptive. In summary, the available evidence is currently insufficient to determine the role of this variant in disease. Therefore, it has been classified as a Variant of Uncertain Significance.